The following is an entry in ClinVar:

NC_000017.10:g.(?_41249860)_(41256183_?)del

Gene: BRCA1 (BRCA1 DNA repair associated; minus strand). Cytogenetic location: 17q21.31.
Variant type: Deletion.
Identifiers: ClinVar variation 3243024 (VCV003243024.1).

ClinVar aggregate classification (germline): Likely pathogenic (1 of 4 stars; one submission).

Conditions:
Hereditary breast ovarian cancer syndrome. Also called: Hereditary breast and ovarian cancer syndrome; Hereditary breast and ovarian cancer; Hereditary breast and ovarian cancer syndrome (HBOC); Breast and ovarian cancer; Hereditary breast and/or ovarian cancer syndrome; BRCA1- and BRCA2-Associated Hereditary Breast and Ovarian Cancer. Identifiers: Orphanet 145, MedGen C0677776, MeSH D061325, MONDO:0003582. Disease mechanism: loss of function.

Submission:

Labcorp Genetics (formerly Invitae), Labcorp
Classification: Likely pathogenic for Hereditary breast ovarian cancer syndrome. Last evaluated: 2023-04-04. Review status: criteria provided, single submitter. Criteria: Invitae Variant Classification Sherloc (09022015). Collection method: clinical testing. Allele origin: unknown.
Comment: In summary, the currently available evidence indicates that the variant is pathogenic, but additional data are needed to prove that conclusively. Therefore, this variant has been classified as Likely Pathogenic. This variant has not been reported in the literature in individuals affected with BRCA1-related conditions. This variant results in the deletion of exon 7 and part of exon 6 (c.397_548-554delins273) of the BRCA1 gene. It is expected to disrupt RNA splicing. Variants that disrupt the donor or acceptor splice site typically lead to a loss of protein function (PMID: 16199547), and loss-of-function variants in BRCA1 are known to be pathogenic (PMID: 20104584).

Literature cited by the submitters: PubMed 16199547; PubMed 20104584.